The following is an entry in ClinVar:

ClinVar aggregate classification (germline): Uncertain significance (1 of 4 stars; one submission).

Conditions:
Multiple sulfatase deficiency (MSD). Also called: Mucosulfatidosis; Multiple Sulfatase Deficiency Disease; Sulfatidosis, Juvenile, Austin Type. Identifiers: Orphanet 585, MedGen C0268263, MONDO:0010088, OMIM 272200.

Allele frequency attached by ClinVar (database versions not stated): gnomAD 0.00005 and 0.00004; TOPMed 0.00011; 1000 Genomes Project 30x 0.00016; 1000 Genomes Project 0.00020; gnomAD exomes 0.00001.
gnomAD v4.1: 12 of 1,613,958 alleles (0.00074%); highest among the groups gnomAD compares: Admixed American, 0.018%; no homozygotes.

Submission:

Labcorp Genetics (formerly Invitae), Labcorp
Classification: Uncertain significance for Multiple sulfatase deficiency. Last evaluated: 2022-08-15. Review status: criteria provided, single submitter. Criteria: Invitae Variant Classification Sherloc (09022015). Collection method: clinical testing. Allele origin: germline.
Comment: This sequence change replaces proline, which is neutral and non-polar, with alanine, which is neutral and non-polar, at codon 178 of the SUMF1 protein (p.Pro178Ala). This variant is not present in population databases (gnomAD no frequency). This variant has not been reported in the literature in individuals affected with SUMF1-related conditions. ClinVar contains an entry for this variant (Variation ID: 1398335). Algorithms developed to predict the effect of missense changes on protein structure and function are either unavailable or do not agree on the potential impact of this missense change (SIFT: "Tolerated"; PolyPhen-2: "Possibly Damaging"; Align-GVGD: "Class C0"). In summary, the available evidence is currently insufficient to determine the role of this variant in disease. Therefore, it has been classified as a Variant of Uncertain Significance.

NM_182760.4(SUMF1):c.532C>G (p.Pro178Ala)

Gene: SUMF1 (sulfatase modifying factor 1; minus strand). Cytogenetic location: 3p26.1.
Variant type: single nucleotide variant.
Coding change: c.532C>G on transcript NM_182760.4 (MANE Select); coding-DNA position 532, C replaced by G.
Protein change: p.Pro178Ala; replaces proline 178 with alanine.
Molecular consequence: missense variant.
Genome position (GRCh38, 1-based): chr3:4,420,134, G>C on the plus strand (C>G on the coding strand, the complement: SUMF1 is on the minus strand). VCF-style: chr3-4420134-G-C. GRCh37 (hg19) VCF-style: chr3-4461818-G-C.
Other names: c.457C>G, p.Pro153Ala (NM_001164674.2); c.532C>G, p.Pro178Ala (NM_001164675.2); short protein forms P153A, P178A.
Identifiers: ClinVar variation 1398335 (VCV001398335.3), dbSNP rs572034731, ClinGen allele CA68804024.
Genomic context (GRCh38, chr3:4,420,134, plus strand): 5'-TAGTAGAGTCAGGCCCTTCTGGGTGTCTCCAGTTAGCGCCTTTCACAGGTAACCACCAGG[G>C]AGCAGCTGCAACCTCAAAGCAACCCAGAACAGGCTGATGTTAGCTACTAACATCAACTCT-3'
Protein context (NP_877437.2, residues 168-188): TNIQQAVAAA[Pro178Ala]WWLPVKGANW